The following is an entry in ClinVar:

NM_203447.4(DOCK8):c.3821G>A (p.Gly1274Glu)

Gene: DOCK8 (dedicator of cytokinesis 8; plus strand). Cytogenetic location: 9p24.3.
Variant type: single nucleotide variant.
Coding change: c.3821G>A on transcript NM_203447.4 (MANE Select); coding-DNA position 3821, G replaced by A.
Protein change: p.Gly1274Glu; replaces glycine 1274 with glutamic acid.
Molecular consequence: missense variant.
Genome position (GRCh38, 1-based): chr9:418,188, G>A. VCF-style: chr9-418188-G-A. GRCh37 (hg19) VCF-style: chr9-418188-G-A.
Other names: c.3521G>A, p.Gly1174Glu (NM_001190458.2); c.3617G>A, p.Gly1206Glu (NM_001193536.2); short protein forms G1206E, G1274E, G1174E.
Identifiers: ClinVar variation 3688964 (VCV003688964.2).

ClinVar aggregate classification (germline): Uncertain significance (1 of 4 stars; one submission).

Conditions:
Combined immunodeficiency due to DOCK8 deficiency (HIES2). Also called: Hyper-IgE recurrent infection syndrome, autosomal recessive; HIES autosomal recessive; HYPER-IgE RECURRENT INFECTION SYNDROME 2, AUTOSOMAL RECESSIVE; HYPER-IgE SYNDROME 2, AUTOSOMAL RECESSIVE, WITH RECURRENT INFECTIONS; DOCK8 Deficiency. Identifiers: Orphanet 217390, MedGen C4722305, MONDO:0009478, OMIM 243700.

Submission:

Labcorp Genetics (formerly Invitae), Labcorp
Classification: Uncertain significance for Combined immunodeficiency due to DOCK8 deficiency. Last evaluated: 2025-10-21. Review status: criteria provided, single submitter. Criteria: Invitae Variant Classification Sherloc (09022015). Collection method: clinical testing. Allele origin: germline.
Comment: This sequence change replaces glycine, which is neutral and non-polar, with glutamic acid, which is acidic and polar, at codon 1274 of the DOCK8 protein (p.Gly1274Glu). This variant is not present in population databases (gnomAD no frequency). This variant has not been reported in the literature in individuals affected with DOCK8-related conditions. ClinVar contains an entry for this variant (Variation ID: 3688964). Invitae Evidence Modeling of protein sequence and biophysical properties (such as structural, functional, and spatial information, amino acid conservation, physicochemical variation, residue mobility, and thermodynamic stability) indicates that this missense variant is not expected to disrupt DOCK8 protein function with a negative predictive value of 80%. In summary, the available evidence is currently insufficient to determine the role of this variant in disease. Therefore, it has been classified as a Variant of Uncertain Significance.